The following is an entry in ClinVar:

ClinVar aggregate classification (germline): Likely benign (1 of 4 stars; one submission).

Allele frequency attached by ClinVar (database versions not stated): gnomAD 0.00001; ExAC 0.00002; TOPMed 0.00002; gnomAD exomes 0.00005.
gnomAD v4.1: 78 of 1,613,886 alleles (0.0048%); highest among the groups gnomAD compares: Middle Eastern, 0.016%; no homozygotes.

Submission:

CeGaT Center for Human Genetics Tuebingen
Classification: Likely benign. Last evaluated: 2026-07-01. Review status: criteria provided, single submitter. Criteria: CeGaT Center For Human Genetics Tuebingen Variant Classification Criteria Version 2. Collection method: clinical testing. Allele origin: germline. Affected: yes. Observed: 2 variant alleles.
Comment: CYLD: BP4, BP7

NM_001378743.1(CYLD):c.2418G>A (p.Pro806=)

Genes: CYLD (CYLD lysine 63 deubiquitinase; plus strand), CYLD-AS2 (CYLD antisense RNA 2; minus strand). Cytogenetic location: 16q12.1.
Variant type: single nucleotide variant.
Coding change: c.2418G>A on transcript NM_001378743.1 (MANE Select); coding-DNA position 2418, G replaced by A.
Protein change: p.Pro806=; no amino-acid change (proline 806 retained).
Molecular consequence: synonymous variant. On other transcripts: non-coding transcript variant (1).
Genome position (GRCh38, 1-based): chr16:50,793,613, G>A. VCF-style: chr16-50793613-G-A. GRCh37 (hg19) VCF-style: chr16-50827524-G-A.
Other names: c.2409G>A, p.Pro803= (NM_001042355.2, NM_001042412.3, NM_001378744.1 and 6 more transcripts); c.2379G>A, p.Pro793= (NM_001378751.1, NM_001378752.1, NM_001378753.1); c.1743G>A, p.Pro581= (NM_001378754.1, NM_001378755.1); c.2418G>A, p.Pro806= (NM_015247.3).
Identifiers: ClinVar variation 2646518 (VCV002646518.24), dbSNP rs746551374, ClinGen allele CA8052621.